The following is an entry in ClinVar:

ClinVar aggregate classification (germline): Uncertain significance (1 of 4 stars; one submission).

gnomAD v4.1: 2 of 1,232,938 alleles (0.00016%); highest among the groups gnomAD compares: East Asian, 0.0063%; no homozygotes.

Submission:

Dasa
Classification: Uncertain significance. Last evaluated: 2025-07-07. Review status: criteria provided, single submitter. Criteria: DASA Assertion Criteria. Collection method: clinical testing. Allele origin: germline.
Comment: NM_001379403.1(WDR26):c.92C>T (p.Pro31Leu) is a missense variant that results in the substitution of proline with leucine. This variant is rare in population databases. The currently available literature and clinical evidence are not sufficient to establish a definitive association between this variant and the reported condition. Therefore, this variant is classified as a variant of uncertain significance.

NM_001379403.1(WDR26):c.92C>T (p.Pro31Leu)

Gene: WDR26 (WD repeat domain 26; minus strand). Cytogenetic location: 1q42.12.
Variant type: single nucleotide variant.
Coding change: c.92C>T on transcript NM_001379403.1 (MANE Select); coding-DNA position 92, C replaced by T.
Protein change: p.Pro31Leu; replaces proline 31 with leucine.
Molecular consequence: missense variant. On other transcripts: 5 prime UTR variant (2).
Genome position (GRCh38, 1-based): chr1:224,434,314, G>A on the plus strand (C>T on the coding strand, the complement: WDR26 is on the minus strand). VCF-style: chr1-224434314-G-A. GRCh37 (hg19) VCF-style: chr1-224622016-G-A.
Other names: c.-209C>T (NM_001115113.3, NM_025160.7); short protein forms P31L.
Identifiers: ClinVar variation 4881586 (VCV004881586.2).